The following is an entry in ClinVar:

NM_006073.4(TRDN):c.391+1G>A

Gene: TRDN (triadin; minus strand). Cytogenetic location: 6q22.31.
Variant type: single nucleotide variant.
Coding change: c.391+1G>A on transcript NM_006073.4 (MANE Select); the canonical splice donor site of the intron after coding-DNA position 391, G replaced by A.
Molecular consequence: splice donor variant.
Genome position (GRCh38, 1-based): chr6:123,548,453, C>T on the plus strand (G>A on the coding strand, the complement: TRDN is on the minus strand). VCF-style: chr6-123548453-C-T. GRCh37 (hg19) VCF-style: chr6-123869598-C-T.
Other names: c.391+1G>A (NM_001407315.1, NM_001251987.2, NM_001256020.2 and 2 more transcripts).
Identifiers: ClinVar variation 1517713 (VCV001517713.10), dbSNP rs2114436209, ClinGen allele CA365568634.

ClinVar aggregate classification (germline): Likely pathogenic. Review status: criteria provided, multiple submitters, no conflicts (2 of 4 stars). 2 submissions from 2 submitters: Likely pathogenic (2). Last evaluated 2025-02-18.

Conditions:
Catecholaminergic polymorphic ventricular tachycardia 5 (CARDAR). Also called: Ventricular tachycardia, catecholaminergic polymorphic, 5, with or without muscle weakness; CARDIAC ARRHYTHMIA SYNDROME, WITH OR WITHOUT SKELETAL MUSCLE WEAKNESS. Identifiers: Orphanet 3286, MedGen C3809536, MONDO:0014191, OMIM 615441.
Catecholaminergic polymorphic ventricular tachycardia 1. Also called: RYR2-Related Catecholaminergic Polymorphic Ventricular Tachycardia; VENTRICULAR TACHYCARDIA, STRESS-INDUCED POLYMORPHIC 1; VENTRICULAR TACHYCARDIA, CATECHOLAMINERGIC POLYMORPHIC, 1, WITH OR WITHOUT ATRIAL DYSFUNCTION AND/OR DILATED CARDIOMYOPATHY. Identifiers: Orphanet 3286, MedGen C1631597, MONDO:0011484, OMIM 604772.

Submissions (2):

Labcorp Genetics (formerly Invitae), Labcorp
Classification: Likely pathogenic for Catecholaminergic polymorphic ventricular tachycardia 1. Last evaluated: 2025-02-18. Review status: criteria provided, single submitter. Criteria: Invitae Variant Classification Sherloc (09022015). Collection method: clinical testing. Allele origin: germline.
Comment: This sequence change affects a donor splice site in intron 3 of the TRDN gene. It is expected to disrupt RNA splicing. Variants that disrupt the donor or acceptor splice site typically lead to a loss of protein function (PMID: 16199547), and loss-of-function variants in TRDN are known to be pathogenic (PMID: 22422768, 25922419, 26200674, 30649896). This variant is not present in population databases (gnomAD no frequency). This variant has not been reported in the literature in individuals affected with TRDN-related conditions. ClinVar contains an entry for this variant (Variation ID: 1517713). Algorithms developed to predict the effect of sequence changes on RNA splicing suggest that this variant may disrupt the consensus splice site. In summary, the currently available evidence indicates that the variant is pathogenic, but additional data are needed to prove that conclusively. Therefore, this variant has been classified as Likely Pathogenic.

Fulgent Genetics
Classification: Likely pathogenic for Catecholaminergic polymorphic ventricular tachycardia 1; Catecholaminergic polymorphic ventricular tachycardia 5. Last evaluated: 2021-10-16. Review status: criteria provided, single submitter. Criteria: ACMG Guidelines, 2015. Collection method: clinical testing. Allele origin: unknown.

Literature cited by the submitters: PubMed 16199547 (cited by Labcorp Genetics (formerly Invitae), Labcorp); PubMed 22422768 (cited by Labcorp Genetics (formerly Invitae), Labcorp); PubMed 25922419 (cited by Labcorp Genetics (formerly Invitae), Labcorp); PubMed 26200674 (cited by Labcorp Genetics (formerly Invitae), Labcorp); PubMed 30649896 (cited by Labcorp Genetics (formerly Invitae), Labcorp).